The following is an entry in ClinVar:

NM_000276.4(OCRL):c.199+1G>A

Gene: OCRL (OCRL inositol polyphosphate-5-phosphatase; plus strand). Cytogenetic location: Xq26.1.
Variant type: single nucleotide variant.
Coding change: c.199+1G>A on transcript NM_000276.4 (MANE Select); the canonical splice donor site of the intron after coding-DNA position 199, G replaced by A.
Molecular consequence: splice donor variant.
Genome position (GRCh38, 1-based): chrX:129,545,038, G>A. VCF-style: chrX-129545038-G-A. GRCh37 (hg19) VCF-style: chrX-128679015-G-A.
Other names: c.202+1G>A (NM_001318784.2); c.199+1G>A (NM_001587.4).
Identifiers: ClinVar variation 3338818 (VCV003338818.2).
Genomic context (GRCh38, chrX:129,545,038, plus strand): 5'-AGAAGGAACAGCATGTTCAAGATATCATTCCTATAAATAGCCACTTCAGATGTGTTCAAG[G>A]TACTAGCTTTAATTCCTTAGCTAGTTTTATAATGTTTTTTCTCGGTCATTACTGCATTAT-3'

ClinVar aggregate classification (germline): Pathogenic (1 of 4 stars; one submission).

Submission:

GeneDx
Classification: Pathogenic. Last evaluated: 2024-10-04. Review status: criteria provided, single submitter. Criteria: GeneDx Variant Classification Process June 2021. Collection method: clinical testing. Allele origin: germline. Affected: yes.
Comment: Canonical splice site variant predicted to result in a null allele in a gene for which loss of function is a known mechanism of disease; Not observed at significant frequency in large population cohorts (gnomAD); This variant is associated with the following publications: (PMID: 31672324, 27625797)